The following is an entry in ClinVar:

NM_000057.4(BLM):c.1825C>T (p.Pro609Ser)

Gene: BLM (BLM RecQ like helicase; plus strand). Cytogenetic location: 15q26.1.
Variant type: single nucleotide variant.
Coding change: c.1825C>T on transcript NM_000057.4 (MANE Select); coding-DNA position 1825, C replaced by T.
Protein change: p.Pro609Ser; replaces proline 609 with serine.
Molecular consequence: missense variant.
Genome position (GRCh38, 1-based): chr15:90,761,198, C>T. VCF-style: chr15-90761198-C-T. GRCh37 (hg19) VCF-style: chr15-91304428-C-T.
Other names: c.1825C>T, p.Pro609Ser (NM_001287246.2, NM_001287247.2); c.700C>T, p.Pro234Ser (NM_001287248.2); short protein forms P609S, P234S.
Identifiers: ClinVar variation 2697833 (VCV002697833.3), dbSNP rs770255643, ClinGen allele CA393843924.
Genomic context (GRCh38, chr15:90,761,198, plus strand): 5'-GAAGGTCGGCCAATTAAATCAGTATCAGAAAGACTTTCCTCAGCCAAGACAGACTGTCTT[C>T]CAGTGTCATCTACTGCTCAAAATATAAACTTCTCAGAGTCAATTCAGAATTATACTGGTA-3'
Protein context (NP_000048.1, residues 599-619): RLSSAKTDCL[Pro609Ser]VSSTAQNINF

ClinVar aggregate classification (germline): Uncertain significance (1 of 4 stars; one submission).

Conditions:
Bloom syndrome (BLM). Also called: Bloom-Torre-Machacek syndrome. Identifiers: Orphanet 125, MedGen C0005859, MONDO:0008876, OMIM 210900.

Submission:

Labcorp Genetics (formerly Invitae), Labcorp
Classification: Uncertain significance for Bloom syndrome. Last evaluated: 2025-08-20. Review status: criteria provided, single submitter. Criteria: Invitae Variant Classification Sherloc (09022015). Collection method: clinical testing. Allele origin: germline.
Comment: This sequence change replaces proline, which is neutral and non-polar, with serine, which is neutral and polar, at codon 609 of the BLM protein (p.Pro609Ser). This variant is not present in population databases (gnomAD no frequency). This variant has not been reported in the literature in individuals affected with BLM-related conditions. ClinVar contains an entry for this variant (Variation ID: 2697833). Invitae Evidence Modeling of protein sequence and biophysical properties (such as structural, functional, and spatial information, amino acid conservation, physicochemical variation, residue mobility, and thermodynamic stability) indicates that this missense variant is not expected to disrupt BLM protein function with a negative predictive value of 80%. In summary, the available evidence is currently insufficient to determine the role of this variant in disease. Therefore, it has been classified as a Variant of Uncertain Significance.